The following is an entry in ClinVar:

ClinVar aggregate classification (germline): Pathogenic. Review status: criteria provided, single submitter (1 of 4 stars). 2 submissions from 2 submitters: Pathogenic (1). 1 of the submissions does not count toward it. Last evaluated 2023-05-11.

Conditions:
Spastic paraplegia. Identifiers: MedGen C0037772, HP:0001258.

Allele frequency attached by ClinVar (database versions not stated): ExAC 0.00001.
gnomAD v4.1: 16 of 1,614,042 alleles (0.00099%); highest among the groups gnomAD compares: Non-Finnish European, 0.0014%; no homozygotes.

Submissions (2):

GeneDx
Classification: Pathogenic. Last evaluated: 2023-05-11. Review status: criteria provided, single submitter. Criteria: GeneDx Variant Classification Process June 2021. Collection method: clinical testing. Allele origin: germline. Affected: yes.
Comment: Reported in individuals with hereditary spastic paraplegia in the published literature (Ebrahimi-Fakhari et al., 2020); Nonsense variant predicted to result in protein truncation or nonsense mediated decay in a gene for which loss of function is a known mechanism of disease; Not observed at significant frequency in large population cohorts (gnomAD); This variant is associated with the following publications: (PMID: 32979048)

Yale Center for Mendelian Genomics, Yale University
Classification: Likely pathogenic for Spastic paraplegia. Last evaluated: 2020-10-01. Review status: no assertion criteria provided. Collection method: literature only. Allele origin: germline. Affected: yes. Observed: 1 compound heterozygote. Study: Yale Center for Mendelian Genomics. Not counted in ClinVar's aggregate classification.

Literature cited by the submitters: PubMed 32979048 (cited by Yale Center for Mendelian Genomics, Yale University).

NM_004722.4(AP4M1):c.330C>G (p.Tyr110Ter)

Gene: AP4M1 (adaptor related protein complex 4 subunit mu 1; plus strand). Cytogenetic location: 7q22.1.
Variant type: single nucleotide variant.
Coding change: c.330C>G on transcript NM_004722.4 (MANE Select); coding-DNA position 330, C replaced by G.
Protein change: p.Tyr110Ter; replaces tyrosine 110 with a stop codon.
Molecular consequence: nonsense.
Genome position (GRCh38, 1-based): chr7:100,102,939, C>G. VCF-style: chr7-100102939-C-G. GRCh37 (hg19) VCF-style: chr7-99700562-C-G.
Other names: c.351C>G, p.Tyr117Ter (NM_001363671.2); short protein forms Y110*, Y117*.
Identifiers: ClinVar variation 280192 (VCV000280192.4), dbSNP rs752598529, ClinGen allele CA4374566.